The following is an entry in ClinVar:

NM_001142966.3(GREB1L):c.2360C>T (p.Thr787Met)

Gene: GREB1L (GREB1 like retinoic acid receptor coactivator; plus strand). Cytogenetic location: 18q11.1.
Variant type: single nucleotide variant.
Coding change: c.2360C>T on transcript NM_001142966.3 (MANE Select); coding-DNA position 2360, C replaced by T.
Protein change: p.Thr787Met; replaces threonine 787 with methionine.
Molecular consequence: missense variant.
Genome position (GRCh38, 1-based): chr18:21,473,208, C>T. VCF-style: chr18-21473208-C-T. GRCh37 (hg19) VCF-style: chr18-19053169-C-T.
Other names: c.2489C>T, p.Thr830Met (NM_001410867.1); c.2033C>T, p.Thr678Met (NM_001410868.1); short protein forms T678M, T787M, T830M.
Identifiers: ClinVar variation 3377262 (VCV003377262.1).

ClinVar aggregate classification (germline): Uncertain significance (1 of 4 stars; one submission).

Conditions:
Renal hypodysplasia/aplasia 3 (RHDA3). Identifiers: MedGen C4540497, MONDO:0024520, OMIM 617805.

gnomAD v4.1: 26 of 1,521,514 alleles (0.0017%); highest among the groups gnomAD compares: African/African-American, 0.0042%; no homozygotes.

Submission:

Victorian Clinical Genetics Services, Murdoch Childrens Research Institute
Classification: Uncertain significance for Renal hypodysplasia/aplasia 3. Last evaluated: 2024-10-09. Review status: criteria provided, single submitter. Criteria: ACMG Guidelines, 2015. Collection method: clinical testing. Allele origin: germline. Inheritance: Autosomal recessive inheritance. Affected: yes.
Comment: Based on the classification scheme VCGS_Germline_v1.3.4, this variant is classified as VUS-3B. Following criteria are met: 0102 - Loss of function is a known mechanism of disease in this gene and is associated with deafness, autosomal dominant 80 (MIM#619274), and renal hypodysplasia/aplasia 3 (MIM#617805). There is no genotype-phenotype correlation (PMID: 32585897). (I) 0107 - This gene is associated with autosomal dominant disease. (I) 0112 - The condition associated with this gene has incomplete penetrance, where variants have been inherited from unaffected parents (PMID: 29100090, 32378186). (I) 0115 - Variants in this gene are known to have variable expressivity (OMIM). (I) 0200 - Variant is predicted to result in a missense amino acid change from threonine to methionine. (I) 0251 - This variant is heterozygous. (I) 0302 - Variant is present in gnomAD (v2) <0.001 for a dominant condition (3 heterozygotes, 0 homozygotes). (SP) 0502 - Missense variant with conflicting in silico predictions and uninformative conservation. (I) 0600 - Variant is located in the annotated cpSF2-GREB1 domain (DECIPHER). (I) 0705 - No comparable missense variants have previous evidence for pathogenicity. (I) 0807 - This variant has no previous evidence of pathogenicity. (I) 0905 - No published segregation evidence has been identified for this variant. (I) 1007 - No published functional evidence has been identified for this variant. (I) 1208 - Inheritance information for this variant is not currently available in this individual. (I) Legend: (SP) - Supporting pathogenic, (I) - Information, (SB) - Supporting benign

Literature cited by the submitters: PubMed 29100090; PubMed 32378186; PubMed 32585897.